The following is an entry in ClinVar:

ClinVar aggregate classification (germline): Likely pathogenic (1 of 4 stars; one submission).

Conditions:
Joubert syndrome. Also called: Familial aplasia of the vermis; JOUBERT-BOLTSHAUSER SYNDROME; CEREBELLOPARENCHYMAL DISORDER IV. Identifiers: Orphanet 475, MedGen C5979921, MONDO:0018772.

Submission:

Natera, Inc.
Classification: Likely pathogenic for Joubert syndrome. Last evaluated: 2024-10-03. Review status: criteria provided, single submitter. Criteria: Natera Variant Classification Schema (03/2026). Collection method: clinical testing. Allele origin: germline.
Comment: The c.1960G>T variant in RPGRIP1L is a nonsense variant predicted to introduce a stop codon at amino acid 654. This variant is expected to result in nonsense mediated decay, truncation, or a dysfunctional protein product. This variant is rare in the general population with a frequency below the threshold expected for the associated phenotype(s). Given the available evidence, this variant is classified as Likely Pathogenic.

NM_015272.5(RPGRIP1L):c.1960G>T (p.Glu654Ter)

Gene: RPGRIP1L (RPGRIP1 like; minus strand). Cytogenetic location: 16q12.2.
Variant type: single nucleotide variant.
Coding change: c.1960G>T on transcript NM_015272.5 (MANE Select); coding-DNA position 1960, G replaced by T.
Protein change: p.Glu654Ter; replaces glutamic acid 654 with a stop codon.
Molecular consequence: nonsense.
Genome position (GRCh38, 1-based): chr16:53,652,727, C>A on the plus strand (G>T on the coding strand, the complement: RPGRIP1L is on the minus strand). VCF-style: chr16-53652727-C-A. GRCh37 (hg19) VCF-style: chr16-53686639-C-A.
Other names: c.1960G>T, p.Glu654Ter (NM_001127897.4, NM_001308334.3, NM_001330538.2); short protein forms E654*.
Identifiers: ClinVar variation 4815834 (VCV004815834.1).